The following is an entry in ClinVar:

NM_001042492.3(NF1):c.1994C>A (p.Ser665Tyr)

Gene: NF1 (neurofibromin 1; plus strand). Cytogenetic location: 17q11.2.
Variant type: single nucleotide variant.
Coding change: c.1994C>A on transcript NM_001042492.3 (MANE Select); coding-DNA position 1994, C replaced by A.
Protein change: p.Ser665Tyr; replaces serine 665 with tyrosine.
Molecular consequence: missense variant.
Genome position (GRCh38, 1-based): chr17:31,225,243, C>A. VCF-style: chr17-31225243-C-A. GRCh37 (hg19) VCF-style: chr17-29552261-C-A.
Other names: c.1994C>A, p.Ser665Tyr (NM_000267.4); short protein forms S665Y.
Identifiers: ClinVar variation 4615805 (VCV004615805.1).

ClinVar aggregate classification (germline): Uncertain significance (1 of 4 stars; one submission).

Conditions:
Cardiovascular phenotype. Identifiers: MedGen CN230736.
Hereditary cancer-predisposing syndrome. Also called: Neoplastic Syndromes, Hereditary; Tumor predisposition; Hereditary Cancer Syndrome; Hereditary neoplastic syndrome. Identifiers: Orphanet 140162, MedGen C0027672, MeSH D009386, MONDO:0015356.

Submission:

Ambry Genetics
Classification: Uncertain significance for Cardiovascular phenotype; Hereditary cancer-predisposing syndrome. Last evaluated: 2025-11-16. Review status: criteria provided, single submitter. Criteria: Ambry Variant Classification Scheme 2023. Collection method: clinical testing. Allele origin: germline.
Comment: The p.S665Y variant (also known as c.1994C>A), located in coding exon 17 of the NF1 gene, results from a C to A substitution at nucleotide position 1994. The serine at codon 665 is replaced by tyrosine, an amino acid with dissimilar properties. This amino acid position is conserved. In addition, this alteration is predicted to be tolerated by in silico analysis. Based on the available evidence, the clinical significance of this variant remains unclear.